The following is an entry in ClinVar:

NM_024408.4(NOTCH2):c.1787A>G (p.Asn596Ser)

Gene: NOTCH2 (notch receptor 2; minus strand). Cytogenetic location: 1p12.
Variant type: single nucleotide variant.
Coding change: c.1787A>G on transcript NM_024408.4 (MANE Select); coding-DNA position 1787, A replaced by G.
Protein change: p.Asn596Ser; replaces asparagine 596 with serine.
Molecular consequence: missense variant.
Genome position (GRCh38, 1-based): chr1:119,963,702, T>C on the plus strand (A>G on the coding strand, the complement: NOTCH2 is on the minus strand). VCF-style: chr1-119963702-T-C. GRCh37 (hg19) VCF-style: chr1-120506325-T-C.
Other names: c.1787A>G, p.Asn596Ser (NM_001200001.2); short protein forms N596S.
Identifiers: ClinVar variation 2066208 (VCV002066208.5), dbSNP rs782709024, ClinGen allele CA1040457.
Genomic context (GRCh38, chr1:119,963,702, plus strand): 5'-CAAGGGCTGCTGTAACATTCATCAATCTGGTCACTGCAGATGGCGCCCATGTACCCGGGA[T>C]TGCAGATGCAGGTGTAGGAATCAATACCATCCTGACACTGACCATGGTGGCAAGGATCGG-3'
Protein context (NP_077719.2, residues 586-606): DGIDSYTCIC[Asn596Ser]PGYMGAICSD

ClinVar aggregate classification (germline): Conflicting classifications of pathogenicity. Review status: criteria provided, conflicting classifications (1 of 4 stars). 2 submissions from 2 submitters: Uncertain significance (1); Likely benign (1). Last evaluated 2025-09-04.

Conditions:
Hajdu-Cheney syndrome (HJCYS). Also called: SERPENTINE FIBULA-POLYCYSTIC KIDNEY SYNDROME; ACROOSTEOLYSIS WITH OSTEOPOROSIS AND CHANGES IN SKULL AND MANDIBLE; Acroosteolysis dominant type. Identifiers: Orphanet 955, MedGen C0917715, MONDO:0007057, OMIM 102500.
Alagille syndrome due to a NOTCH2 point mutation. Also called: Alagille syndrome 2. Identifiers: Orphanet 261629, Orphanet 52, MedGen C1857761, MONDO:0012439, OMIM 610205.

Allele frequency attached by ClinVar (database versions not stated): ExAC 0.00002.
gnomAD v4.1: 75 of 1,613,962 alleles (0.0046%); highest among the groups gnomAD compares: East Asian, 0.0067%; no homozygotes.

Submissions (2):

Labcorp Genetics (formerly Invitae), Labcorp
Classification: Uncertain significance for Hajdu-Cheney syndrome. Last evaluated: 2025-09-04. Review status: criteria provided, single submitter. Criteria: Invitae Variant Classification Sherloc (09022015). Collection method: clinical testing. Allele origin: germline.
Comment: This sequence change replaces asparagine, which is neutral and polar, with serine, which is neutral and polar, at codon 596 of the NOTCH2 protein (p.Asn596Ser). This variant is present in population databases (rs782709024, gnomAD 0.005%). This variant has not been reported in the literature in individuals affected with NOTCH2-related conditions. ClinVar contains an entry for this variant (Variation ID: 2066208). Invitae Evidence Modeling of protein sequence and biophysical properties (such as structural, functional, and spatial information, amino acid conservation, physicochemical variation, residue mobility, and thermodynamic stability) indicates that this missense variant is not expected to disrupt NOTCH2 protein function with a negative predictive value of 95%. In summary, the available evidence is currently insufficient to determine the role of this variant in disease. Therefore, it has been classified as a Variant of Uncertain Significance.

Fulgent Genetics
Classification: Likely benign for Hajdu-Cheney syndrome; Alagille syndrome due to a NOTCH2 point mutation. Last evaluated: 2024-04-21. Review status: criteria provided, single submitter. Criteria: ACMG Guidelines, 2015. Collection method: clinical testing. Allele origin: germline.